The following is an entry in ClinVar:

NM_020338.4(ZMIZ1):c.566C>A (p.Ala189Asp)

Gene: ZMIZ1 (zinc finger MIZ-type containing 1; plus strand). Cytogenetic location: 10q22.3.
Variant type: single nucleotide variant.
Coding change: c.566C>A on transcript NM_020338.4 (MANE Select); coding-DNA position 566, C replaced by A.
Protein change: p.Ala189Asp; replaces alanine 189 with aspartic acid.
Molecular consequence: missense variant.
Genome position (GRCh38, 1-based): chr10:79,290,984, C>A. VCF-style: chr10-79290984-C-A. GRCh37 (hg19) VCF-style: chr10-81050741-C-A.
Other names: short protein forms A189D.
Identifiers: ClinVar variation 3659645 (VCV003659645.2).

ClinVar aggregate classification (germline): Uncertain significance (1 of 4 stars; one submission).

Submission:

Labcorp Genetics (formerly Invitae), Labcorp
Classification: Uncertain significance. Last evaluated: 2024-07-16. Review status: criteria provided, single submitter. Criteria: Invitae Variant Classification Sherloc (09022015). Collection method: clinical testing. Allele origin: germline.
Comment: This sequence change replaces alanine, which is neutral and non-polar, with aspartic acid, which is acidic and polar, at codon 189 of the ZMIZ1 protein (p.Ala189Asp). This variant is not present in population databases (gnomAD no frequency). This variant has not been reported in the literature in individuals affected with ZMIZ1-related conditions. Advanced modeling of protein sequence and biophysical properties (such as structural, functional, and spatial information, amino acid conservation, physicochemical variation, residue mobility, and thermodynamic stability) performed at Invitae indicates that this missense variant is not expected to disrupt ZMIZ1 protein function with a negative predictive value of 80%. In summary, the available evidence is currently insufficient to determine the role of this variant in disease. Therefore, it has been classified as a Variant of Uncertain Significance.